The following is an entry in ClinVar:

ClinVar aggregate classification (germline): Likely pathogenic. Review status: criteria provided, multiple submitters, no conflicts (2 of 4 stars). 2 submissions from 2 submitters: Likely pathogenic (2). Last evaluated 2025-05-26.

Conditions:
Nephrotic syndrome, type 2 (NPHS2). Also called: NEPHROTIC SYNDROME, STEROID-RESISTANT, AUTOSOMAL RECESSIVE. Identifiers: Orphanet 656, MedGen C1868672, MONDO:0010974, OMIM 600995.
Steroid-resistant nephrotic syndrome. Identifiers: MedGen C0403397, MONDO:0044765, HP:0012588.

Submissions (2):

Natera, Inc.
Classification: Likely pathogenic for Steroid-resistant nephrotic syndrome. Last evaluated: 2025-05-26. Review status: criteria provided, single submitter. Criteria: Natera Variant Classification Schema (03/2026). Collection method: clinical testing. Allele origin: germline.
Comment: The c.579C>A variant in NPHS2 is a nonsense variant predicted to introduce a stop codon at amino acid 193. This variant is expected to result in nonsense mediated decay, truncation, or a dysfunctional protein product. This variant is rare in the general population with a frequency below the threshold expected for the associated phenotype(s). Given the available evidence, this variant is classified as Likely Pathogenic.

Baylor Genetics
Classification: Likely pathogenic for Nephrotic syndrome, type 2. Last evaluated: 2024-03-11. Review status: criteria provided, single submitter. Criteria: ACMG Guidelines, 2015. Collection method: clinical testing. Allele origin: unknown.

NM_014625.4(NPHS2):c.579C>A (p.Cys193Ter)

Gene: NPHS2 (NPHS2 stomatin family member, podocin; minus strand). Cytogenetic location: 1q25.2.
Variant type: single nucleotide variant.
Coding change: c.579C>A on transcript NM_014625.4 (MANE Select); coding-DNA position 579, C replaced by A.
Protein change: p.Cys193Ter; replaces cysteine 193 with a stop codon.
Molecular consequence: nonsense. On other transcripts: intron variant (1).
Genome position (GRCh38, 1-based): chr1:179,557,186, G>T on the plus strand (C>A on the coding strand, the complement: NPHS2 is on the minus strand). VCF-style: chr1-179557186-G-T. GRCh37 (hg19) VCF-style: chr1-179526321-G-T.
Other names: c.534+2493C>A (NM_001297575.2); short protein forms C193*.
Identifiers: ClinVar variation 3239971 (VCV003239971.3), dbSNP rs2526273422.
Genomic context (GRCh38, chr1:179,557,186, plus strand): 5'-AGCTTTAGATACATGAGCAAGACTGCTTAGGAGAAGAGAGGCATTTTCCATTCGGTAGTA[G>T]CAAATGGCATCTATCTCCATTATAAACATGTCTTTGGTCACGATCTAGGCAGAAAAAAGT-3'